The following is an entry in ClinVar:

NM_003900.5(SQSTM1):c.429C>T (p.Ser143=)

Gene: SQSTM1 (sequestosome 1; plus strand). Cytogenetic location: 5q35.3.
Variant type: single nucleotide variant.
Coding change: c.429C>T on transcript NM_003900.5 (MANE Select); coding-DNA position 429, C replaced by T.
Protein change: p.Ser143=; no amino-acid change (serine 143 retained).
Molecular consequence: synonymous variant.
Genome position (GRCh38, 1-based): chr5:179,823,985, C>T. VCF-style: chr5-179823985-C-T. GRCh37 (hg19) VCF-style: chr5-179250985-C-T.
Other names: c.177C>T, p.Ser59= (NM_001142298.2, NM_001142299.2).
Identifiers: ClinVar variation 793670 (VCV000793670.12), dbSNP rs374417389, ClinGen allele CA448061347.

ClinVar aggregate classification (germline): Likely benign. Review status: criteria provided, single submitter (1 of 4 stars). 2 submissions from 2 submitters: Likely benign (1). 1 of the submissions does not count toward it. Last evaluated 2024-02-11.

Conditions:
Frontotemporal dementia and/or amyotrophic lateral sclerosis 1 (FTDALS1). Also called: Frontotemporal dementia with motor neuron disease 1; C9orf72 Frontotemporal Dementia and/or Amyotrophic Lateral Sclerosis. Identifiers: Orphanet 275872, MedGen C5779877, MONDO:0007105, OMIM 105550.
Paget disease of bone 2, early-onset (PDB2). Also called: Paget disease of bone 2. Identifiers: MedGen C4085251, MONDO:0011183, OMIM 602080.
SQSTM1-related disorder. Also called: SQSTM1-Related Disorders.

gnomAD v4.1: 10 of 1,614,042 alleles (0.00062%); highest among the groups gnomAD compares: East Asian, 0.0022%; no homozygotes.

Submissions (2):

Labcorp Genetics (formerly Invitae), Labcorp
Classification: Likely benign for Paget disease of bone 2, early-onset; Frontotemporal dementia and/or amyotrophic lateral sclerosis 1. Last evaluated: 2024-02-11. Review status: criteria provided, single submitter. Criteria: Invitae Variant Classification Sherloc (09022015). Collection method: clinical testing. Allele origin: germline.

PreventionGenetics, part of Exact Sciences
Classification: Likely benign for SQSTM1-related condition. Last evaluated: 2023-04-24. Review status: no assertion criteria provided. Collection method: clinical testing. Allele origin: germline. Not counted in ClinVar's aggregate classification.
Comment: This variant is classified as likely benign based on ACMG/AMP sequence variant interpretation guidelines (Richards et al. 2015 PMID: 25741868, with internal and published modifications).